The following is an entry in ClinVar:

NM_000044.6(AR):c.2521C>T (p.Arg841Cys)

Gene: AR (androgen receptor; plus strand). Cytogenetic location: Xq12.
Variant type: single nucleotide variant.
Coding change: c.2521C>T on transcript NM_000044.6 (MANE Select); coding-DNA position 2521, C replaced by T.
Protein change: p.Arg841Cys; replaces arginine 841 with cysteine.
Molecular consequence: missense variant.
Genome position (GRCh38, 1-based): chrX:67,722,898, C>T. VCF-style: chrX-67722898-C-T. GRCh37 (hg19) VCF-style: chrX-66942740-C-T.
Other names: c.2521C>T (NM_000044.2); c.925C>T, p.Arg309Cys (NM_001011645.3); short protein forms R309C, R841C.
Identifiers: ClinVar variation 9830 (VCV000009830.9), dbSNP rs137852577, ClinGen allele CA120734.

ClinVar aggregate classification (germline): Pathogenic. Review status: criteria provided, multiple submitters, no conflicts (2 of 4 stars). 7 submissions from 6 submitters: Pathogenic (4). 3 of the submissions do not count toward it. Last evaluated 2025-10-21.

Conditions:
Differences in sex development.
Kennedy disease (SMAX1). Also called: KENNEDY SPINAL AND BULBAR MUSCULAR ATROPHY; SPINAL AND BULBAR MUSCULAR ATROPHY, X-LINKED 1; Spinal and Bulbar Muscular Atrophy. Identifiers: Orphanet 481, MedGen C1839259, MONDO:0010735, OMIM 313200.
Androgen resistance syndrome (AIS). Also called: Androgen insensitivity, complete; DIHYDROTESTOSTERONE RECEPTOR DEFICIENCY; Androgen insensitivity; Androgen insensitivity syndrome; ANDROGEN RECEPTOR DEFICIENCY; TESTICULAR FEMINIZATION SYNDROME. Identifiers: Orphanet 754, Orphanet 99429, MedGen C0039585, MONDO:0019154, OMIM 300068. Disease mechanism: loss of function.
Partial androgen insensitivity syndrome (PAIS). Also called: ANDROGEN INSENSITIVITY, PARTIAL, WITH OR WITHOUT BREAST CANCER; Reifenstein syndrome, partial; Androgen resistance syndrome, partial; Type I familial incomplete male pseudohermaphroditism; Partial Androgen Insensitivity Syndrome (PAIS); Reifenstein syndrome. Identifiers: Orphanet 90797, MedGen C0268301, MONDO:0010720, OMIM 312300.

Allele frequency attached by ClinVar (database versions not stated): gnomAD exomes below 0.00001.
gnomAD v4.1: 1 of 1,210,611 alleles (0.000083%); highest among the groups gnomAD compares: Non-Finnish European, 0.00011%; no homozygotes.

Submissions (7):

NHS Central & South Genomic Laboratory Hub
Classification: Pathogenic for Differences in sex development. Last evaluated: 2025-10-21. Review status: criteria provided, single submitter. Criteria: ACMG Guidelines, 2015. Collection method: clinical testing. Allele origin: germline. Affected: yes.

Labcorp Genetics (formerly Invitae), Labcorp
Classification: Pathogenic for Kennedy disease; Androgen resistance syndrome. Last evaluated: 2023-11-06. Review status: criteria provided, single submitter. Criteria: Invitae Variant Classification Sherloc (09022015). Collection method: clinical testing. Allele origin: germline.
Comment: This sequence change replaces arginine, which is basic and polar, with cysteine, which is neutral and slightly polar, at codon 841 of the AR protein (p.Arg841Cys). This variant is not present in population databases (gnomAD no frequency). This missense change has been observed in individuals with partial androgen insensitivity syndrome (PMID: 1430233, 8040309, 8824883, 11788673, 15925895, 20011049). It has also been observed to segregate with disease in related individuals. This variant is also known as R838C, R839C, and R840C. ClinVar contains an entry for this variant (Variation ID: 9830). Advanced modeling of protein sequence and biophysical properties (such as structural, functional, and spatial information, amino acid conservation, physicochemical variation, residue mobility, and thermodynamic stability) has been performed at Invitae for this missense variant, however the output from this modeling did not meet the statistical confidence thresholds required to predict the impact of this variant on AR protein function. Experimental studies have shown that this missense change affects AR function (PMID: 1430233, 8040309, 9768671, 16083860, 20011049). For these reasons, this variant has been classified as Pathogenic.

GeneDx
Classification: Pathogenic. Last evaluated: 2022-10-25. Review status: criteria provided, single submitter. Criteria: GeneDx Variant Classification Process June 2021. Collection method: clinical testing. Allele origin: germline. Affected: yes.
Comment: Published functional studies demonstrate abnormal regulation of the NC-TDI interaction and reduced transcriptional activity (Szafran et al., 2009); Not observed at significant frequency in large population cohorts (gnomAD); In silico analysis supports that this missense variant has a deleterious effect on protein structure/function; Missense variants in this gene are often considered pathogenic (HGMD); This variant is associated with the following publications: (PMID: 29582157, 33516834, 16083860, 34755921, 30316867, 7929841, 33750429, 1430233, 20011049, 9768671, 8824883, 8040309, 32345305, 15925895, 11788673)

Clinical Genetics and Genomics, Karolinska University Hospital
Classification: Pathogenic. Last evaluated: 2020-02-26. Review status: criteria provided, single submitter. Criteria: ACMG Guidelines, 2015. Collection method: clinical testing. Allele origin: germline. Affected: yes. Observed: 1 variant allele.

Clinical Molecular Genetics Laboratory, Johns Hopkins All Children's Hospital
Classification: Pathogenic for Androgen resistance syndrome. Last evaluated: 2011-01-26. Review status: no assertion criteria provided. Collection method: clinical testing. Allele origin: germline. Affected: yes. Not counted in ClinVar's aggregate classification.

OMIM
Classification: Pathogenic for ANDROGEN INSENSITIVITY SYNDROME. Last evaluated: 2002-01-01. Review status: no assertion criteria provided. Collection method: literature only. Allele origin: germline. Not counted in ClinVar's aggregate classification.

OMIM
Classification: Pathogenic for ANDROGEN INSENSITIVITY, PARTIAL. Last evaluated: 1994-08-01. Review status: no assertion criteria provided. Collection method: literature only. Allele origin: germline. Not counted in ClinVar's aggregate classification.

Literature cited by the submitters: PubMed 1430233 (cited by Labcorp Genetics (formerly Invitae), Labcorp); PubMed 8040309 (cited by Labcorp Genetics (formerly Invitae), Labcorp and OMIM); PubMed 8824883 (cited by Labcorp Genetics (formerly Invitae), Labcorp); PubMed 11788673 (cited by Labcorp Genetics (formerly Invitae), Labcorp and OMIM); PubMed 15925895 (cited by Labcorp Genetics (formerly Invitae), Labcorp); PubMed 20011049 (cited by Labcorp Genetics (formerly Invitae), Labcorp); PubMed 9768671 (cited by Labcorp Genetics (formerly Invitae), Labcorp); PubMed 16083860 (cited by Labcorp Genetics (formerly Invitae), Labcorp).